The following is an entry in ClinVar:

ClinVar aggregate classification (germline): Uncertain significance. Review status: criteria provided, multiple submitters, no conflicts (2 of 4 stars). 5 submissions from 5 submitters: Uncertain significance (5). Last evaluated 2026-01-22.

Conditions:
Progressive sclerosing poliodystrophy (MTDPS4A). Also called: ALPERS DIFFUSE DEGENERATION OF CEREBRAL GRAY MATTER WITH HEPATIC CIRRHOSIS; Alpers-Huttenlocher Syndrome; ALPERS PROGRESSIVE INFANTILE POLIODYSTROPHY; NEURONAL DEGENERATION OF CHILDHOOD WITH LIVER DISEASE, PROGRESSIVE; Mitochondrial DNA Depletion Syndrome 4A; Alpers-Huttenlocher Syndrome (AHS). Identifiers: Orphanet 726, MedGen C0205710, MONDO:0008758, OMIM 203700.

Allele frequency attached by ClinVar (database versions not stated): gnomAD below 0.00001 and 0.00001; TOPMed 0.00001; gnomAD exomes 0.00010; ExAC 0.00012.
gnomAD v4.1: 88 of 1,613,822 alleles (0.0055%); highest among the groups gnomAD compares: South Asian, 0.09%; 1 homozygote.

Submissions (5):

Labcorp Genetics (formerly Invitae), Labcorp
Classification: Uncertain significance for Progressive sclerosing poliodystrophy. Last evaluated: 2026-01-22. Review status: criteria provided, single submitter. Criteria: Invitae Variant Classification Sherloc (09022015). Collection method: clinical testing. Allele origin: germline.
Comment: This sequence change replaces arginine, which is basic and polar, with glutamine, which is neutral and polar, at codon 972 of the POLG protein (p.Arg972Gln). This variant is present in population databases (rs200309005, gnomAD 0.08%). This variant has not been reported in the literature in individuals affected with POLG-related conditions. ClinVar contains an entry for this variant (Variation ID: 206540). Invitae Evidence Modeling of protein sequence and biophysical properties (such as structural, functional, and spatial information, amino acid conservation, physicochemical variation, residue mobility, and thermodynamic stability) indicates that this missense variant is expected to disrupt POLG protein function with a positive predictive value of 95%. In summary, the available evidence is currently insufficient to determine the role of this variant in disease. Therefore, it has been classified as a Variant of Uncertain Significance.

GeneDx
Classification: Uncertain significance. Last evaluated: 2023-12-26. Review status: criteria provided, single submitter. Criteria: GeneDx Variant Classification Process June 2021. Collection method: clinical testing. Allele origin: germline. Affected: yes.
Comment: In silico analysis supports that this missense variant does not alter protein structure/function; Has not been previously published as pathogenic or benign to our knowledge

Revvity Omics, Revvity
Classification: Uncertain significance. Last evaluated: 2023-11-09. Review status: criteria provided, single submitter. Criteria: ACMG Guidelines, 2015. Collection method: clinical testing. Allele origin: germline.

Wong Mito Lab, Molecular and Human Genetics, Baylor College of Medicine
Classification: Uncertain significance for Progressive sclerosing poliodystrophy. Last evaluated: 2018-10-01. Review status: criteria provided, single submitter. Criteria: ACMG Guidelines, 2015. Collection method: clinical testing. Allele origin: germline.
Comment: The NM_002693.2:c.2915G>A (NP_002684.1:p.Arg972Gln) [GRCH38: NC_000015.10:g.89320832C>T] variant in POLG gene is interpretated to be a Likely Pathogenic based on ACMG guidelines (PMID: 25741868). This variant meets the following evidence codes reported in the ACMG-guideline. PM1:This variant is in mutational hot spot or a well-studied functional domain without benign variation. PM2:This variant is absent in key population databases. PP2:This is a missense variant in POLG with a low rate of benign and high rate of pathogenic missense variations. PP3:Computational evidence/predictors indicate the variant has deleterious effect on POLG structure, function, or protein-protein interaction. Based on the evidence criteria codes applied, the variant is suggested to be Likely Pathogenic.

Eurofins Ntd Llc (ga)
Classification: Uncertain significance. Last evaluated: 2017-03-27. Review status: criteria provided, single submitter. Criteria: EGL Classification Definitions 2015. Collection method: clinical testing. Allele origin: germline. Observed: 1 variant allele, 1 heterozygote.

NM_002693.3(POLG):c.2915G>A (p.Arg972Gln)

Gene: POLG (DNA polymerase gamma, catalytic subunit; minus strand). Cytogenetic location: 15q26.1.
Variant type: single nucleotide variant.
Coding change: c.2915G>A on transcript NM_002693.3 (MANE Select); coding-DNA position 2915, G replaced by A.
Protein change: p.Arg972Gln; replaces arginine 972 with glutamine.
Molecular consequence: missense variant.
Genome position (GRCh38, 1-based): chr15:89,320,832, C>T on the plus strand (G>A on the coding strand, the complement: POLG is on the minus strand). VCF-style: chr15-89320832-C-T. GRCh37 (hg19) VCF-style: chr15-89864063-C-T.
Other names: p.R972Q:CGG>CAG; c.2915G>A, p.Arg972Gln (NM_001126131.2); short protein forms R972Q.
Identifiers: ClinVar variation 206540 (VCV000206540.17), dbSNP rs200309005, ClinGen allele CA316725.